The following is an entry in ClinVar:

NM_213599.3(ANO5):c.1930G>T (p.Ala644Ser)

Gene: ANO5 (anoctamin 5; plus strand). Cytogenetic location: 11p14.3.
Variant type: single nucleotide variant.
Coding change: c.1930G>T on transcript NM_213599.3 (MANE Select); coding-DNA position 1930, G replaced by T.
Protein change: p.Ala644Ser; replaces alanine 644 with serine.
Molecular consequence: missense variant.
Genome position (GRCh38, 1-based): chr11:22,270,343, G>T. VCF-style: chr11-22270343-G-T. GRCh37 (hg19) VCF-style: chr11-22291889-G-T.
Other names: c.1927G>T, p.Ala643Ser (NM_001142649.2); short protein forms A643S, A644S.
Identifiers: ClinVar variation 1011825 (VCV001011825.10), dbSNP rs1302354806, ClinGen allele CA379923290.
Genomic context (GRCh38, chr11:22,270,343, plus strand): 5'-CATATATTAACTTTTATCACTTCCAACAGCTTGGCTTTGAATTGGTGGAGACGCCGAAAA[G>T]CTCGGACAAACTCTGAGAAGCTGTATAGTCGATGGGAGCAGGATCATGACCTTGAAAGTT-3'
Protein context (NP_998764.1, residues 634-654): LALNWWRRRK[Ala644Ser]RTNSEKLYSR

ClinVar aggregate classification (germline): Uncertain significance. Review status: criteria provided, multiple submitters, no conflicts (2 of 4 stars). 2 submissions from 2 submitters: Uncertain significance (2). Last evaluated 2020-12-19.

Conditions:
Autosomal recessive limb-girdle muscular dystrophy type 2L (LGMDR12). Also called: MUSCULAR DYSTROPHY, LIMB-GIRDLE, AUTOSOMAL RECESSIVE 12; Limb-Girdle Muscular Dystrophy R12 Anoctamin-5-Related (LGMD-R12); Limb-girdle muscular dystrophy, type 2L. Identifiers: Orphanet 206549, MedGen C1969785, MONDO:0012652, OMIM 611307.
Gnathodiaphyseal dysplasia (GDD). Also called: GNATHODIAPHYSEAL SCLEROSIS; OSTEOGENESIS IMPERFECTA WITH UNUSUAL SKELETAL LESIONS. Identifiers: Orphanet 53697, MedGen C1833736, MONDO:0008151, OMIM 166260.

Allele frequency attached by ClinVar (database versions not stated): TOPMed 0.00001.
gnomAD v4.1: 9 of 1,614,010 alleles (0.00056%); highest among the groups gnomAD compares: Admixed American, 0.0017%; no homozygotes.

Submissions (2):

Labcorp Genetics (formerly Invitae), Labcorp
Classification: Uncertain significance for Autosomal recessive limb-girdle muscular dystrophy type 2L; Gnathodiaphyseal dysplasia. Last evaluated: 2020-12-19. Review status: criteria provided, single submitter. Criteria: Invitae Variant Classification Sherloc (09022015). Collection method: clinical testing. Allele origin: germline.
Comment: This sequence change replaces alanine with serine at codon 644 of the ANO5 protein (p.Ala644Ser). The alanine residue is moderately conserved and there is a moderate physicochemical difference between alanine and serine. In summary, the available evidence is currently insufficient to determine the role of this variant in disease. Therefore, it has been classified as a Variant of Uncertain Significance. Advanced modeling of protein sequence and biophysical properties (such as structural, functional, and spatial information, amino acid conservation, physicochemical variation, residue mobility, and thermodynamic stability) performed at Invitae indicates that this missense variant is not expected to disrupt ANO5 protein function. This variant has not been reported in the literature in individuals with ANO5-related conditions. This variant is not present in population databases (ExAC no frequency).

Breakthrough Genomics
Classification: Uncertain significance. Review status: criteria provided, single submitter. Criteria: ACMG Guidelines, 2015. Collection method: not provided. Allele origin: germline. Inheritance: Autosomal recessive inheritance. Affected: yes.